The following is an entry in ClinVar:

ClinVar aggregate classification (germline): Uncertain significance (1 of 4 stars; one submission).

Conditions:
Progressive myoclonic epilepsy type 9. Identifiers: Orphanet 457265, MedGen C4225289, MONDO:0014685, OMIM 616540.
Lipodystrophy, partial, acquired, susceptibility to (APLD). Also called: APLD, SUSCEPTIBILITY TO. Identifiers: MedGen C3887501, MONDO:0100476, OMIM 608709.

Submission:

Labcorp Genetics (formerly Invitae), Labcorp
Classification: Uncertain significance for Progressive myoclonic epilepsy type 9; Lipodystrophy, partial, acquired, susceptibility to. Last evaluated: 2023-08-24. Review status: criteria provided, single submitter. Criteria: Invitae Variant Classification Sherloc (09022015). Collection method: clinical testing. Allele origin: germline.
Comment: In summary, the available evidence is currently insufficient to determine the role of this variant in disease. Therefore, it has been classified as a Variant of Uncertain Significance. Advanced modeling of protein sequence and biophysical properties (such as structural, functional, and spatial information, amino acid conservation, physicochemical variation, residue mobility, and thermodynamic stability) performed at Invitae indicates that this missense variant is not expected to disrupt LMNB2 protein function. ClinVar contains an entry for this variant (Variation ID: 1378450). This variant has not been reported in the literature in individuals affected with LMNB2-related conditions. This variant is not present in population databases (gnomAD no frequency). This sequence change replaces leucine, which is neutral and non-polar, with arginine, which is basic and polar, at codon 95 of the LMNB2 protein (p.Leu95Arg).

NM_032737.4(LMNB2):c.284T>G (p.Leu95Arg)

Gene: LMNB2 (lamin B2; minus strand). Cytogenetic location: 19p13.3.
Variant type: single nucleotide variant.
Coding change: c.284T>G on transcript NM_032737.4 (MANE Select); coding-DNA position 284, T replaced by G.
Protein change: p.Leu95Arg; replaces leucine 95 with arginine.
Molecular consequence: missense variant.
Genome position (GRCh38, 1-based): chr19:2,444,521, A>C on the plus strand (T>G on the coding strand, the complement: LMNB2 is on the minus strand). VCF-style: chr19-2444521-A-C. GRCh37 (hg19) VCF-style: chr19-2444519-A-C.
Other names: short protein forms L95R.
Identifiers: ClinVar variation 1378450 (VCV001378450.6), dbSNP rs2145462859, ClinGen allele CA403259527.
Genomic context (GRCh38, chr19:2,444,521, plus strand): 5'-GCACGCTCTCGAGCCGTCTCATCCAGGACTCTCCGGGCATCGGCCAGCTCCGACTCGTAC[A>C]GCGCCTTGATGCCACTCACCTGGGGAGACCCAGGACAGGGTGAAGCGAGAGGGACCCTTC-3'
Protein context (NP_116126.3, residues 85-105): TTREVSGIKA[Leu95Arg]YESELADARR